The following is an entry in ClinVar:

ClinVar aggregate classification (germline): Pathogenic (1 of 4 stars; one submission).

Conditions:
Baller-Gerold syndrome (BGS). Also called: CRANIOSYNOSTOSIS WITH RADIAL DEFECTS. Identifiers: Orphanet 1225, MedGen C0265308, MONDO:0009039, OMIM 218600.

Submission:

Labcorp Genetics (formerly Invitae), Labcorp
Classification: Pathogenic for Baller-Gerold syndrome. Last evaluated: 2023-10-13. Review status: criteria provided, single submitter. Criteria: Invitae Variant Classification Sherloc (09022015). Collection method: clinical testing. Allele origin: germline.
Comment: This sequence change creates a premature translational stop signal (p.Trp998*) in the RECQL4 gene. It is expected to result in an absent or disrupted protein product. Loss-of-function variants in RECQL4 are known to be pathogenic (PMID: 12734318, 12952869). This variant is not present in population databases (gnomAD no frequency). This premature translational stop signal has been observed in individual(s) with prostate cancer (PMID: 28825054). ClinVar contains an entry for this variant (Variation ID: 2152053). For these reasons, this variant has been classified as Pathogenic.

Literature cited by the submitters: PubMed 12734318; PubMed 12952869; PubMed 28825054.

NM_004260.4(RECQL4):c.2993G>A (p.Trp998Ter)

Gene: RECQL4 (RecQ like helicase 4; minus strand). Cytogenetic location: 8q24.3.
Variant type: single nucleotide variant.
Coding change: c.2993G>A on transcript NM_004260.4 (MANE Select); coding-DNA position 2993, G replaced by A.
Protein change: p.Trp998Ter; replaces tryptophan 998 with a stop codon.
Molecular consequence: nonsense.
Genome position (GRCh38, 1-based): chr8:144,512,454, C>T on the plus strand (G>A on the coding strand, the complement: RECQL4 is on the minus strand). VCF-style: chr8-144512454-C-T. GRCh37 (hg19) VCF-style: chr8-145737837-C-T.
Other names: c.2699G>A, p.Trp900Ter (NM_001413017.1); c.2795G>A, p.Trp932Ter (NM_001413018.1); c.3068G>A, p.Trp1023Ter (NM_001413019.1); c.2897G>A, p.Trp966Ter (NM_001413020.1); c.1922G>A, p.Trp641Ter (NM_001413021.1, NM_001413022.1, NM_001413024.1 and 4 more transcripts); c.1997G>A, p.Trp666Ter (NM_001413023.1); c.2864G>A, p.Trp955Ter (NM_001413025.1); c.1856G>A, p.Trp619Ter (NM_001413027.1, NM_001413030.1, NM_001413032.1); and 9 more; short protein forms W619*, W666*, W955*, W641*, W932*, W1023*, W575*, W597*.
Identifiers: ClinVar variation 2152053 (VCV002152053.4), dbSNP rs2537985403, ClinGen allele CA372672881.